The following is an entry in ClinVar:

ClinVar aggregate classification (germline): Uncertain significance (1 of 4 stars; one submission).

Conditions:
Hereditary cancer-predisposing syndrome. Also called: Hereditary Cancer Syndrome; Tumor predisposition; Hereditary neoplastic syndrome; Neoplastic Syndromes, Hereditary. Identifiers: Orphanet 140162, MedGen C0027672, MeSH D009386, MONDO:0015356.

Submission:

Labcorp Genetics (formerly Invitae), Labcorp
Classification: Uncertain significance for Hereditary cancer-predisposing syndrome. Last evaluated: 2025-06-16. Review status: criteria provided, single submitter. Criteria: Invitae Variant Classification Sherloc (09022015). Collection method: clinical testing. Allele origin: germline.
Comment: This sequence change replaces glutamine, which is neutral and polar, with arginine, which is basic and polar, at codon 1047 of the RAD50 protein (p.Gln1047Arg). This variant is not present in population databases (gnomAD no frequency). This variant has not been reported in the literature in individuals affected with RAD50-related conditions. ClinVar contains an entry for this variant (Variation ID: 647274). Invitae Evidence Modeling of protein sequence and biophysical properties (such as structural, functional, and spatial information, amino acid conservation, physicochemical variation, residue mobility, and thermodynamic stability) indicates that this missense variant is not expected to disrupt RAD50 protein function with a negative predictive value of 80%. In summary, the available evidence is currently insufficient to determine the role of this variant in disease. Therefore, it has been classified as a Variant of Uncertain Significance.

NM_005732.4(RAD50):c.3140A>G (p.Gln1047Arg)

Gene: RAD50 (RAD50 double strand break repair protein; plus strand). Cytogenetic location: 5q31.1.
Variant type: single nucleotide variant.
Coding change: c.3140A>G on transcript NM_005732.4 (MANE Select); coding-DNA position 3140, A replaced by G.
Protein change: p.Gln1047Arg; replaces glutamine 1047 with arginine.
Molecular consequence: missense variant.
Genome position (GRCh38, 1-based): chr5:132,616,106, A>G. VCF-style: chr5-132616106-A-G. GRCh37 (hg19) VCF-style: chr5-131951798-A-G.
Other names: short protein forms Q1047R.
Identifiers: ClinVar variation 647274 (VCV000647274.9), dbSNP rs1581008482, ClinGen allele CA360963849.